The following is an entry in ClinVar:

ClinVar aggregate classification (germline): Conflicting classifications of pathogenicity. Review status: criteria provided, conflicting classifications (1 of 4 stars). 3 submissions from 3 submitters: Uncertain significance (1); Likely benign (1). 1 of the submissions does not count toward it. Last evaluated 2025-06-05.

Conditions:
COL5A1-related disorder. Also called: COL5A1-related condition.
Ehlers-Danlos syndrome, classic type, 1 (EDSCL1). Also called: Ehlers-Danlos syndrome, type 1; EDS I; EHLERS-DANLOS SYNDROME, GRAVIS TYPE; EHLERS-DANLOS SYNDROME, SEVERE CLASSIC TYPE; Ehlers-Danlos Syndrome, Classic Type, COL5A1-Related. Identifiers: MedGen C0268335, MONDO:0019567, OMIM 130000.

gnomAD v4.1: 3 of 1,613,954 alleles (0.00019%); highest among the groups gnomAD compares: Non-Finnish European, 0.00025%; no homozygotes.

Submissions (3):

Labcorp Genetics (formerly Invitae), Labcorp
Classification: Likely benign for Ehlers-Danlos syndrome, classic type, 1. Last evaluated: 2025-06-05. Review status: criteria provided, single submitter. Criteria: Invitae Variant Classification Sherloc (09022015). Collection method: clinical testing. Allele origin: germline.

Blueprint Genetics
Classification: Uncertain significance. Last evaluated: 2024-09-12. Review status: criteria provided, single submitter. Criteria: ACMG Guidelines, 2015. Collection method: clinical testing. Allele origin: germline.

PreventionGenetics, part of Exact Sciences
Classification: Likely benign for COL5A1-related condition. Last evaluated: 2024-05-24. Review status: no assertion criteria provided. Collection method: clinical testing. Allele origin: germline. Not counted in ClinVar's aggregate classification.
Comment: This variant is classified as likely benign based on ACMG/AMP sequence variant interpretation guidelines (Richards et al. 2015 PMID: 25741868, with internal and published modifications).

NM_000093.5(COL5A1):c.3205-7T>G

Gene: COL5A1 (collagen type V alpha 1 chain; plus strand). Cytogenetic location: 9q34.3.
Variant type: single nucleotide variant.
Coding change: c.3205-7T>G on transcript NM_000093.5 (MANE Select); 7 bases into the intron before coding-DNA position 3205, T replaced by G.
Molecular consequence: intron variant.
Genome position (GRCh38, 1-based): chr9:134,805,154, T>G. VCF-style: chr9-134805154-T-G. GRCh37 (hg19) VCF-style: chr9-137697000-T-G.
Other names: c.3205-7T>G (NM_001278074.1).
Identifiers: ClinVar variation 3352271 (VCV003352271.3).